The following is an entry in ClinVar:

ClinVar aggregate classification (germline): Likely benign. Review status: criteria provided, multiple submitters, no conflicts (2 of 4 stars). 2 submissions from 2 submitters: Likely benign (2). Last evaluated 2025-03-06.

Allele frequency attached by ClinVar (database versions not stated): ExAC 0.00002; gnomAD exomes 0.00002; gnomAD 0.00003; TOPMed 0.00006; 1000 Genomes Project 30x 0.00016; 1000 Genomes Project 0.00020.
gnomAD v4.1: 130 of 1,613,340 alleles (0.0081%); highest among the groups gnomAD compares: Non-Finnish European, 0.011%; no homozygotes.

Submissions (2):

Labcorp Genetics (formerly Invitae), Labcorp
Classification: Likely benign. Last evaluated: 2025-03-06. Review status: criteria provided, single submitter. Criteria: Invitae Variant Classification Sherloc (09022015). Collection method: clinical testing. Allele origin: germline.

CeGaT Center for Human Genetics Tuebingen
Classification: Likely benign. Last evaluated: 2024-11-01. Review status: criteria provided, single submitter. Criteria: CeGaT Center For Human Genetics Tuebingen Variant Classification Criteria Version 2. Collection method: clinical testing. Allele origin: germline. Affected: yes. Observed: 3 variant alleles.
Comment: PACS2: BP4, BP7

NM_001100913.3(PACS2):c.732C>T (p.Ser244=)

Gene: PACS2 (phosphofurin acidic cluster sorting protein 2; plus strand). Cytogenetic location: 14q32.33.
Variant type: single nucleotide variant.
Coding change: c.732C>T on transcript NM_001100913.3 (MANE Select); coding-DNA position 732, C replaced by T.
Protein change: p.Ser244=; no amino-acid change (serine 244 retained).
Molecular consequence: synonymous variant. On other transcripts: intron variant (1).
Genome position (GRCh38, 1-based): chr14:105,368,530, C>T. VCF-style: chr14-105368530-C-T. GRCh37 (hg19) VCF-style: chr14-105834867-C-T.
Other names: c.732C>T, p.Ser244= (NM_015197.4); c.516+15C>T (NM_001243127.3).
Identifiers: ClinVar variation 1013053 (VCV001013053.43), dbSNP rs587729444, ClinGen allele CA7388523.